The following is an entry in ClinVar:

NM_000302.4(PLOD1):c.2161G>A (p.Ala721Thr)

Gene: PLOD1 (procollagen-lysine,2-oxoglutarate 5-dioxygenase 1; plus strand). Cytogenetic location: 1p36.22.
Variant type: single nucleotide variant.
Coding change: c.2161G>A on transcript NM_000302.4 (MANE Select); coding-DNA position 2161, G replaced by A.
Protein change: p.Ala721Thr; replaces alanine 721 with threonine.
Molecular consequence: missense variant.
Genome position (GRCh38, 1-based): chr1:11,974,785, G>A. VCF-style: chr1-11974785-G-A. GRCh37 (hg19) VCF-style: chr1-12034842-G-A.
Other names: c.2302G>A, p.Ala768Thr (NM_001316320.2); c.2161G>A (NM_000302.3); short protein forms A721T, A768T.
Identifiers: ClinVar variation 2045270 (VCV002045270.4), dbSNP rs781689639, ClinGen allele CA338454098.

ClinVar aggregate classification (germline): Uncertain significance. Review status: criteria provided, multiple submitters, no conflicts (2 of 4 stars). 3 submissions from 3 submitters: Uncertain significance (3). Last evaluated 2026-06-22.

Conditions:
Ehlers-Danlos syndrome, kyphoscoliotic type 1 (EDSKSCL1). Also called: EHLERS-DANLOS SYNDROME, TYPE VIA; Ehlers-Danlos syndrome, hydroxylysine-deficient; EHLERS-DANLOS SYNDROME, OCULAR-SCOLIOTIC TYPE; PLOD1-Related Kyphoscoliotic Ehlers-Danlos Syndrome. Identifiers: Orphanet 1900, MedGen C0268342, MONDO:0016002, OMIM 225400. Disease mechanism: loss of function.
Familial thoracic aortic aneurysm and aortic dissection (TAAD). Also called: Thoracic aortic aneurysms and dissections. Identifiers: Orphanet 91387, MedGen C4707243, MONDO:0019625.

gnomAD v4.1: 4 of 1,614,098 alleles (0.00025%); highest among the groups gnomAD compares: African/African-American, 0.0013%; no homozygotes.

Submissions (3):

Women's Health and Genetics/Laboratory Corporation of America, LabCorp
Classification: Uncertain significance. Last evaluated: 2026-06-22. Review status: criteria provided, single submitter. Criteria: LabCorp Variant Classification Summary - May 2015. Collection method: clinical testing. Allele origin: germline.

Ambry Genetics
Classification: Uncertain significance for Familial thoracic aortic aneurysm and aortic dissection. Last evaluated: 2024-05-26. Review status: criteria provided, single submitter. Criteria: Ambry Variant Classification Scheme 2023. Collection method: clinical testing. Allele origin: germline.

Labcorp Genetics (formerly Invitae), Labcorp
Classification: Uncertain significance for Ehlers-Danlos syndrome, kyphoscoliotic type 1. Last evaluated: 2022-05-24. Review status: criteria provided, single submitter. Criteria: Invitae Variant Classification Sherloc (09022015). Collection method: clinical testing. Allele origin: germline.
Comment: This sequence change replaces alanine, which is neutral and non-polar, with threonine, which is neutral and polar, at codon 721 of the PLOD1 protein (p.Ala721Thr). This variant is present in population databases (no rsID available, gnomAD 0.007%). This variant has not been reported in the literature in individuals affected with PLOD1-related conditions. Algorithms developed to predict the effect of missense changes on protein structure and function are either unavailable or do not agree on the potential impact of this missense change (SIFT: "Tolerated"; PolyPhen-2: "Possibly Damaging"; Align-GVGD: "Class C0"). In summary, the available evidence is currently insufficient to determine the role of this variant in disease. Therefore, it has been classified as a Variant of Uncertain Significance.